The following is an entry in ClinVar:

NM_144687.4(NLRP12):c.1137C>A (p.His379Gln)

Gene: NLRP12 (NLR family pyrin domain containing 12; minus strand). Cytogenetic location: 19q13.42.
Variant type: single nucleotide variant.
Coding change: c.1137C>A on transcript NM_144687.4 (MANE Select); coding-DNA position 1137, C replaced by A.
Protein change: p.His379Gln; replaces histidine 379 with glutamine.
Molecular consequence: missense variant.
Genome position (GRCh38, 1-based): chr19:53,810,522, G>T on the plus strand (C>A on the coding strand, the complement: NLRP12 is on the minus strand). VCF-style: chr19-53810522-G-T. GRCh37 (hg19) VCF-style: chr19-54313776-G-T.
Other names: c.1137C>A, p.His379Gln (NM_001277126.2, NM_001277129.1); short protein forms H379Q.
Identifiers: ClinVar variation 3200560 (VCV003200560.2), dbSNP rs139174111, ClinGen allele CA9639513.

ClinVar aggregate classification (germline): Uncertain significance. Review status: criteria provided, multiple submitters, no conflicts (2 of 4 stars). 2 submissions from 2 submitters: Uncertain significance (2). Last evaluated 2025-02-15.

Conditions:
Familial cold autoinflammatory syndrome 2 (FCAS2). Identifiers: Orphanet 247868, MedGen C2673198, MONDO:0012724, OMIM 611762.
Inborn genetic diseases. Identifiers: MedGen C0950123, MeSH D030342.

gnomAD v4.1: 15 of 1,614,020 alleles (0.00093%); highest among the groups gnomAD compares: East Asian, 0.031%; no homozygotes.

Submissions (2):

Labcorp Genetics (formerly Invitae), Labcorp
Classification: Uncertain significance for Familial cold autoinflammatory syndrome 2. Last evaluated: 2025-02-15. Review status: criteria provided, single submitter. Criteria: Invitae Variant Classification Sherloc (09022015). Collection method: clinical testing. Allele origin: germline.
Comment: This sequence change replaces histidine, which is basic and polar, with glutamine, which is neutral and polar, at codon 379 of the NLRP12 protein (p.His379Gln). This variant is present in population databases (rs139174111, gnomAD 0.05%). This variant has not been reported in the literature in individuals affected with NLRP12-related conditions. ClinVar contains an entry for this variant (Variation ID: 3200560). Invitae Evidence Modeling of protein sequence and biophysical properties (such as structural, functional, and spatial information, amino acid conservation, physicochemical variation, residue mobility, and thermodynamic stability) indicates that this missense variant is not expected to disrupt NLRP12 protein function with a negative predictive value of 80%. In summary, the available evidence is currently insufficient to determine the role of this variant in disease. Therefore, it has been classified as a Variant of Uncertain Significance.

Ambry Genetics
Classification: Uncertain significance for Inborn genetic diseases. Last evaluated: 2023-10-20. Review status: criteria provided, single submitter. Criteria: Ambry Variant Classification Scheme 2023. Collection method: clinical testing. Allele origin: germline.